The following is an entry in ClinVar:

NM_022437.3(ABCG8):c.965-1G>A

Gene: ABCG8 (ATP binding cassette subfamily G member 8; plus strand). Cytogenetic location: 2p21.
Variant type: single nucleotide variant.
Coding change: c.965-1G>A on transcript NM_022437.3 (MANE Select); the canonical splice acceptor site of the intron before coding-DNA position 965, G replaced by A.
Molecular consequence: splice acceptor variant.
Genome position (GRCh38, 1-based): chr2:43,871,975, G>A. VCF-style: chr2-43871975-G-A. GRCh37 (hg19) VCF-style: chr2-44099114-G-A.
Other names: c.965-1G>A (NM_001357321.2).
Identifiers: ClinVar variation 517640 (VCV000517640.4), dbSNP rs957176669, ClinGen allele CA346668706.

ClinVar aggregate classification (germline): Likely pathogenic (1 of 4 stars; one submission).

Conditions:
Sitosterolemia (STSL). Also called: PHYTOSTEROLEMIA. Identifiers: Orphanet 2882, MedGen C0342907, MONDO:0008863.

Submission:

Laboratory for Molecular Medicine, Mass General Brigham Personalized Medicine
Classification: Likely pathogenic for Sitosterolemia. Last evaluated: 2017-11-21. Review status: criteria provided, single submitter. Criteria: LMM Criteria. Collection method: clinical testing. Allele origin: germline. Inheritance: Autosomal recessive inheritance. Observed: 1 variant allele.
Comment: The c.965-1G>A (NM_022437.2) variant in ABCG8 has been previously reported in 1 family with sitosterolemia (Bardawill 2017) and was absent from large population studies. This variant occurs in the invariant region (+/- 1,2) of the splice co nsensus sequence and is predicted to cause altered splicing leading to an abnorm al or absent protein. Biallelic loss of function of the ABCG8 gene has been asso ciated with sitosterolemia. In summary, although additional studies are required to fully establish a null effect on the protein, the c.965-1G>A variant in the ABCG8 gene is likely pathogenic for sitosterolemia in an autosomal recessive man ner based on its predicted impact on the protein. ACMG/AMP Criteria applied: PVS 1, PM2.

Literature cited by the submitters: PubMed 28739549.